The following is an entry in ClinVar:

NM_001009944.3(PKD1):c.11599G>T (p.Val3867Phe)

Genes: PKD1 (polycystin 1, transient receptor potential channel interacting; minus strand), PKD1-AS1 (PKD1 antisense RNA 1; plus strand). Cytogenetic location: 16p13.3.
Variant type: single nucleotide variant.
Coding change: c.11599G>T on transcript NM_001009944.3 (MANE Select); coding-DNA position 11599, G replaced by T.
Protein change: p.Val3867Phe; replaces valine 3867 with phenylalanine.
Molecular consequence: missense variant. On other transcripts: non-coding transcript variant (1).
Genome position (GRCh38, 1-based): chr16:2,091,536, C>A on the plus strand (G>T on the coding strand, the complement: PKD1 is on the minus strand). VCF-style: chr16-2091536-C-A. GRCh37 (hg19) VCF-style: chr16-2141537-C-A.
Other names: c.11596G>T, p.Val3866Phe (NM_000296.4); short protein forms V3866F, V3867F.
Identifiers: ClinVar variation 4530994 (VCV004530994.1).
Genomic context (GRCh38, chr16:2,091,536, plus strand): 5'-GGCGGACGCTGAGGGCGGCCAGGGCGCGGCCGGCCGCCGGGAACTCGAGGCGCAGCGTGA[C>A]GGCGGCGTGCAGCCCCACGGCCGGGCTGTAGCGCGTGAGCTCCAGGAACACAGCGCGGCT-3'
Protein context (NP_001009944.3, residues 3857-3877): YSPAVGLHAA[Val3867Phe]TLRLEFPAAG

ClinVar aggregate classification (germline): Uncertain significance (1 of 4 stars; one submission).

Submission:

GeneDx
Classification: Uncertain significance. Last evaluated: 2025-05-21. Review status: criteria provided, single submitter. Criteria: GeneDx Variant Classification Process June 2021. Collection method: clinical testing. Allele origin: germline. Affected: yes.
Comment: Not observed at significant frequency in large population cohorts (gnomAD); In silico analysis suggests that this missense variant does not alter protein structure/function; Has not been previously published as pathogenic or benign to our knowledge